The following is an entry in ClinVar:

NM_198271.5(LMOD3):c.1519G>A (p.Glu507Lys)

Gene: LMOD3 (leiomodin 3; minus strand). Cytogenetic location: 3p14.1.
Variant type: single nucleotide variant.
Coding change: c.1519G>A on transcript NM_198271.5 (MANE Select); coding-DNA position 1519, G replaced by A.
Protein change: p.Glu507Lys; replaces glutamic acid 507 with lysine.
Molecular consequence: missense variant.
Genome position (GRCh38, 1-based): chr3:69,118,836, C>T on the plus strand (G>A on the coding strand, the complement: LMOD3 is on the minus strand). VCF-style: chr3-69118836-C-T. GRCh37 (hg19) VCF-style: chr3-69167987-C-T.
Other names: c.1519G>A, p.Glu507Lys (NM_001304418.3); c.1519G>A (NM_198271.3); short protein forms E507K.
Identifiers: ClinVar variation 475308 (VCV000475308.18), dbSNP rs149196259, ClinGen allele CA2488750.

ClinVar aggregate classification (germline): Conflicting classifications of pathogenicity. Review status: criteria provided, conflicting classifications (1 of 4 stars). 5 submissions from 5 submitters: Uncertain significance (1); Likely benign (3). 1 of the submissions does not count toward it. Last evaluated 2026-01-12.

Conditions:
LMOD3-related disorder. Also called: LMOD3-related condition.
Inborn genetic diseases. Identifiers: MedGen C0950123, MeSH D030342.
Nemaline myopathy 10 (NEM10). Identifiers: MedGen C4015360, MONDO:0014513, OMIM 616165.

Allele frequency attached by ClinVar (database versions not stated): 1000 Genomes Project 30x 0.00016; 1000 Genomes Project 0.00020; gnomAD 0.00051 and 0.00054; TOPMed 0.00062; gnomAD exomes 0.00063 and 0.00080; ExAC 0.00071; ESP Exome Variant Server 0.00114.
gnomAD v4.1: 1,267 of 1,609,744 alleles (0.079%); highest among the groups gnomAD compares: Non-Finnish European, 0.092%; 4 homozygotes.

Submissions (5):

Labcorp Genetics (formerly Invitae), Labcorp
Classification: Likely benign for Nemaline myopathy 10. Last evaluated: 2026-01-12. Review status: criteria provided, single submitter. Criteria: Invitae Variant Classification Sherloc (09022015). Collection method: clinical testing. Allele origin: germline.

Blueprint Genetics
Classification: Likely benign. Last evaluated: 2024-11-14. Review status: criteria provided, single submitter. Criteria: ACMG Guidelines, 2015. Collection method: clinical testing. Allele origin: germline.

Ambry Genetics
Classification: Uncertain significance for Inborn genetic diseases. Last evaluated: 2022-04-07. Review status: criteria provided, single submitter. Criteria: Ambry Variant Classification Scheme 2023. Collection method: clinical testing. Allele origin: germline.

GeneDx
Classification: Likely benign. Last evaluated: 2018-08-15. Review status: criteria provided, single submitter. Criteria: GeneDx Variant Classification Process June 2021. Collection method: clinical testing. Allele origin: germline. Affected: yes.

PreventionGenetics, part of Exact Sciences
Classification: Likely benign for LMOD3-related condition. Last evaluated: 2023-07-29. Review status: no assertion criteria provided. Collection method: clinical testing. Allele origin: germline. Not counted in ClinVar's aggregate classification.
Comment: This variant is classified as likely benign based on ACMG/AMP sequence variant interpretation guidelines (Richards et al. 2015 PMID: 25741868, with internal and published modifications).